The following is an entry in ClinVar:

ClinVar aggregate classification (germline): Likely pathogenic (1 of 4 stars; one submission).

Conditions:
Dilated cardiomyopathy 1G (CMD1G). Identifiers: Orphanet 154, MedGen C1858763, MONDO:0011400, OMIM 604145.
Autosomal recessive limb-girdle muscular dystrophy type 2J (LGMDR10). Also called: MUSCULAR DYSTROPHY, LIMB-GIRDLE, AUTOSOMAL RECESSIVE 10; Limb-girdle muscular dystrophy, type 2J. Identifiers: Orphanet 140922, MedGen C1837342, MONDO:0012127, OMIM 608807.

Submission:

Labcorp Genetics (formerly Invitae), Labcorp
Classification: Likely pathogenic for Dilated cardiomyopathy 1G; Autosomal recessive limb-girdle muscular dystrophy type 2J. Last evaluated: 2023-10-12. Review status: criteria provided, single submitter. Criteria: Invitae Variant Classification Sherloc (09022015). Collection method: clinical testing. Allele origin: germline.
Comment: This sequence change creates a premature translational stop signal (p.Glu22813*) in the TTN gene. While this is not anticipated to result in nonsense mediated decay, it is expected to create a truncated TTN protein. This variant is not present in population databases (gnomAD no frequency). This variant has not been reported in the literature in individuals affected with TTN-related conditions. ClinVar contains an entry for this variant (Variation ID: 222860). This variant is located in the A band of TTN (PMID: 25589632). Truncating variants in this region are significantly overrepresented in patients affected with dilated cardiomyopathy (PMID: 25589632). Truncating variants in this region have also been reported in individuals affected with autosomal recessive centronuclear myopathy (PMID: 23975875). In summary, the currently available evidence indicates that the variant is pathogenic, but additional data are needed to prove that conclusively. Therefore, this variant has been classified as Likely Pathogenic.

Literature cited by the submitters: PubMed 25589632; PubMed 23975875.

NM_001267550.2(TTN):c.68437G>T (p.Glu22813Ter)

Genes: TTN (titin; minus strand), TTN-AS1 (TTN antisense RNA 1; plus strand). Cytogenetic location: 2q31.2.
Variant type: single nucleotide variant.
Coding change: c.68437G>T on transcript NM_001267550.2 (MANE Select); coding-DNA position 68437, G replaced by T.
Protein change: p.Glu22813Ter; replaces glutamic acid 22813 with a stop codon.
Molecular consequence: nonsense.
Genome position (GRCh38, 1-based): chr2:178,578,078, C>A on the plus strand (G>T on the coding strand, the complement: TTN is on the minus strand). VCF-style: chr2-178578078-C-A. GRCh37 (hg19) VCF-style: chr2-179442805-C-A.
Other names: c.68437G>T (LRG_391t1); c.63514G>T, p.Glu21172Ter (NM_001256850.1); c.41242G>T, p.Glu13748Ter (NM_003319.4); c.60733G>T, p.Glu20245Ter (NM_133378.4); c.41617G>T, p.Glu13873Ter (NM_133432.3); c.41818G>T, p.Glu13940Ter (NM_133437.4); short protein forms E22813*, E13748*, E13873*, E13940*, E20245*, E21172*.
Identifiers: ClinVar variation 222860 (VCV000222860.4), dbSNP rs200797552, ClinGen allele CA088467.